The following is an entry in ClinVar:

NM_004168.4(SDHA):c.1065-17_1065-15dup

Gene: SDHA (succinate dehydrogenase complex flavoprotein subunit A; plus strand). Cytogenetic location: 5p15.33.
Variant type: Duplication.
Coding change: c.1065-17_1065-15dup on transcript NM_004168.4 (MANE Select); 17 bases into the intron before coding-DNA position 1065 through 15 bases into the intron before coding-DNA position 1065, 3 bases duplicated (GTG; older notation c.1065-17_1065-15dupGTG).
Molecular consequence: intron variant.
Genome position (GRCh38, 1-based): chr5:235,127-235,129, GTG duplicated; duplicating any 3 consecutive bases within chr5:235,125-235,129 gives the same sequence; the c. name uses the placement nearest the transcript's 3' end. VCF-style (leftmost placement, unchanged base first): chr5-235124-A-ATGG. GRCh37 (hg19) VCF-style: chr5-235239-A-ATGG.
Other names: c.1065-17_1065-15dup (NM_001330758.2); c.921-17_921-15dup (NM_001294332.2).
Identifiers: ClinVar variation 2041427 (VCV002041427.5), dbSNP rs2477361825, ClinGen allele CA2580073117.

ClinVar aggregate classification (germline): Likely benign. Review status: criteria provided, multiple submitters, no conflicts (2 of 4 stars). 2 submissions from 2 submitters: Likely benign (2). Last evaluated 2025-03-07.

Conditions:
Pheochromocytoma/paraganglioma syndrome 5. Also called: Paragangliomas 5; SDHA-Related Hereditary Paraganglioma-Pheochromocytoma Syndrome. Identifiers: Orphanet 29072, MedGen C3279992, MONDO:0013602, OMIM 614165.
Mitochondrial complex II deficiency, nuclear type 1. Also called: SUCCINATE CoQ REDUCTASE DEFICIENCY. Identifiers: Orphanet 3208, MedGen C5700310, MONDO:0100294, OMIM 252011.

Submissions (2):

Myriad Genetics, Inc.
Classification: Likely benign for Pheochromocytoma/paraganglioma syndrome 5. Last evaluated: 2025-03-07. Review status: criteria provided, single submitter. Criteria: Myriad Autosomal Dominant, Autosomal Recessive and X-Linked Classification Criteria (2023). Collection method: clinical testing. Allele origin: unknown.
Comment: This variant is considered likely benign. This variant is intronic and is not expected to impact mRNA splicing.

Labcorp Genetics (formerly Invitae), Labcorp
Classification: Likely benign for Pheochromocytoma/paraganglioma syndrome 5; Mitochondrial complex II deficiency, nuclear type 1. Last evaluated: 2024-02-19. Review status: criteria provided, single submitter. Criteria: Invitae Variant Classification Sherloc (09022015). Collection method: clinical testing. Allele origin: germline.